The following is an entry in ClinVar:

NM_001040716.2(PC):c.3164del (p.Gly1055fs)

Gene: PC (pyruvate carboxylase; minus strand). Cytogenetic location: 11q13.2.
Variant type: Deletion.
Coding change: c.3164del on transcript NM_001040716.2 (MANE Select); coding-DNA position 3164, one base deleted (G; older notation c.3164delG).
Protein change: p.Gly1055fs; shifts the reading frame from glycine 1055.
Molecular consequence: frameshift variant.
Genome position (GRCh38, 1-based): chr11:66,849,354, C deleted on the plus strand (G on the coding strand, the reverse complement: PC is on the minus strand); the first of 4 consecutive C bases (chr11:66,849,354-66,849,357); deleting any one gives the same sequence. VCF-style (leftmost placement, unchanged base first): chr11-66849353-GC-G. GRCh37 (hg19) VCF-style: chr11-66616824-GC-G.
Other names: c.3164del, p.Gly1055fs (NM_000920.4, NM_022172.3); short protein forms G1055fs.
Identifiers: ClinVar variation 1379662 (VCV001379662.6), dbSNP rs2135786710, ClinGen allele CA2573147592.
Genomic context (GRCh38, chr11:66,849,353, plus strand): 5'-CTGCCTCTGGCCGGCCCGGTTCAGGTCGCTCACGGCCAGGGCTTTGATGTGCAGCGTCTT[GC>G]CCCGCTCCAGCTCCACCTGCAGGGAGGGTGTGCAGACTCAGAGCTGGACGCCAAGGTGGG-3'

ClinVar aggregate classification (germline): Pathogenic (1 of 4 stars; one submission).

Conditions:
Pyruvate carboxylase deficiency. Also called: PC DEFICIENCY; ATAXIA WITH LACTIC ACIDOSIS II; Pyruvate Carboxylase Deficiency Disease; LEIGH NECROTIZING ENCEPHALOPATHY DUE TO PYRUVATE CARBOXYLASE DEFICIENCY; LEIGH SYNDROME DUE TO PYRUVATE CARBOXYLASE DEFICIENCY. Identifiers: Orphanet 3008, MedGen C0034341, MONDO:0009949, OMIM 266150.

Submission:

Labcorp Genetics (formerly Invitae), Labcorp
Classification: Pathogenic for Pyruvate carboxylase deficiency. Last evaluated: 2020-11-21. Review status: criteria provided, single submitter. Criteria: Invitae Variant Classification Sherloc (09022015). Collection method: clinical testing. Allele origin: germline.
Comment: This variant has not been reported in the literature in individuals with PC-related conditions. For these reasons, this variant has been classified as Pathogenic. This variant is not present in population databases (ExAC no frequency). This sequence change creates a premature translational stop signal (p.Gly1055Alafs*11) in the PC gene. It is expected to result in an absent or disrupted protein product. Loss-of-function variants in PC are known to be pathogenic (PMID: 12112657, 19306334).

Literature cited by the submitters: PubMed 12112657; PubMed 19306334.